The following is an entry in ClinVar:

ClinVar aggregate classification (germline): Uncertain significance (1 of 4 stars; one submission).

Submission:

Labcorp Genetics (formerly Invitae), Labcorp
Classification: Uncertain significance. Last evaluated: 2023-09-10. Review status: criteria provided, single submitter. Criteria: Invitae Variant Classification Sherloc (09022015). Collection method: clinical testing. Allele origin: germline.
Comment: In summary, the available evidence is currently insufficient to determine the role of this variant in disease. Therefore, it has been classified as a Variant of Uncertain Significance. Advanced modeling of protein sequence and biophysical properties (such as structural, functional, and spatial information, amino acid conservation, physicochemical variation, residue mobility, and thermodynamic stability) performed at Invitae indicates that this missense variant is not expected to disrupt ACAN protein function. This variant has not been reported in the literature in individuals affected with ACAN-related conditions. This variant is not present in population databases (gnomAD no frequency). This sequence change replaces serine, which is neutral and polar, with arginine, which is basic and polar, at codon 551 of the ACAN protein (p.Ser551Arg).

NM_001369268.1(ACAN):c.1653C>G (p.Ser551Arg)

Gene: ACAN (aggrecan; plus strand). Cytogenetic location: 15q26.1.
Variant type: single nucleotide variant.
Coding change: c.1653C>G on transcript NM_001369268.1 (MANE Select); coding-DNA position 1653, C replaced by G.
Protein change: p.Ser551Arg; replaces serine 551 with arginine.
Molecular consequence: missense variant.
Genome position (GRCh38, 1-based): chr15:88,847,959, C>G. VCF-style: chr15-88847959-C-G. GRCh37 (hg19) VCF-style: chr15-89391190-C-G.
Other names: c.1653C>G, p.Ser551Arg (NM_001135.4, NM_001411096.1, NM_001411097.1 and 1 more transcripts); short protein forms S551R.
Identifiers: ClinVar variation 2757518 (VCV002757518.3), dbSNP rs2505275936, ClinGen allele CA393710965.
Genomic context (GRCh38, chr15:88,847,959, plus strand): 5'-TCTCCTTTGCAGATACCCCATTGTGAGCCCCCGGACCCCATGCGTGGGTGACAAGGACAG[C>G]AGCCCAGGGGTCAGGACCTATGGCGTGCGCCCATCAACAGAGACCTACGATGTCTACTGC-3'
Protein context (NP_001356197.1, residues 541-561): PRTPCVGDKD[Ser551Arg]SPGVRTYGVR